The following is an entry in ClinVar:

NM_144670.6(A2ML1):c.3503-9T>A

Gene: A2ML1 (alpha-2-macroglobulin like 1; plus strand). Cytogenetic location: 12p13.31.
Variant type: single nucleotide variant.
Coding change: c.3503-9T>A on transcript NM_144670.6 (MANE Select); 9 bases into the intron before coding-DNA position 3503, T replaced by A.
Molecular consequence: intron variant.
Genome position (GRCh38, 1-based): chr12:8,863,785, T>A. VCF-style: chr12-8863785-T-A. GRCh37 (hg19) VCF-style: chr12-9016381-T-A.
Other names: c.2030-9T>A (NM_001282424.3); c.3503-9T>A (NM_144670.5).
Identifiers: ClinVar variation 696766 (VCV000696766.13), dbSNP rs185487647, ClinGen allele CA6436405.
Genomic context (GRCh38, chr12:8,863,785, plus strand): 5'-ATTTACAAAGTGAATGTGGGAAAGCCAGTTCCTTCTAAGGACATCCTAGTTATGTTTCTT[T>A]TTCCATAGGAGAATCCATTTACTGGAGCCAGAAACCTACTCCATCATCGAACGCCAGCCC-3'

ClinVar aggregate classification (germline): Likely benign. Review status: criteria provided, multiple submitters, no conflicts (2 of 4 stars). 3 submissions from 3 submitters: Likely benign (2). 1 of the submissions does not count toward it. Last evaluated 2025-10-05.

Conditions:
A2ML1-related disorder. Also called: A2ML1-related condition.

Allele frequency attached by ClinVar (database versions not stated): gnomAD 0.00001; gnomAD exomes 0.00006 and 0.00012; TOPMed 0.00006; ExAC 0.00010; 1000 Genomes Project 30x 0.00016; 1000 Genomes Project 0.00020.
gnomAD v4.1: 38 of 1,613,964 alleles (0.0024%); highest among the groups gnomAD compares: Admixed American, 0.062%; no homozygotes.

Submissions (3):

Labcorp Genetics (formerly Invitae), Labcorp
Classification: Likely benign. Last evaluated: 2025-10-05. Review status: criteria provided, single submitter. Criteria: Invitae Variant Classification Sherloc (09022015). Collection method: clinical testing. Allele origin: germline.

Blueprint Genetics
Classification: Likely benign. Last evaluated: 2022-04-11. Review status: criteria provided, single submitter. Criteria: ACMG Guidelines, 2015. Collection method: clinical testing. Allele origin: germline.

PreventionGenetics, part of Exact Sciences
Classification: Likely benign for A2ML1-related condition. Last evaluated: 2019-10-14. Review status: no assertion criteria provided. Collection method: clinical testing. Allele origin: germline. Not counted in ClinVar's aggregate classification.
Comment: This variant is classified as likely benign based on ACMG/AMP sequence variant interpretation guidelines (Richards et al. 2015 PMID: 25741868, with internal and published modifications).